The following is an entry in ClinVar:

NM_005228.5(EGFR):c.3466C>T (p.His1156Tyr)

Gene: EGFR (epidermal growth factor receptor; plus strand). Cytogenetic location: 7p11.2.
Variant type: single nucleotide variant.
Coding change: c.3466C>T on transcript NM_005228.5 (MANE Select); coding-DNA position 3466, C replaced by T.
Protein change: p.His1156Tyr; replaces histidine 1156 with tyrosine.
Molecular consequence: missense variant.
Genome position (GRCh38, 1-based): chr7:55,205,450, C>T. VCF-style: chr7-55205450-C-T. GRCh37 (hg19) VCF-style: chr7-55273143-C-T.
Other names: c.3331C>T, p.His1111Tyr (NM_001346899.2); c.3307C>T, p.His1103Tyr (NM_001346900.2); c.2665C>T, p.His889Tyr (NM_001346941.2); short protein forms H1103Y, H1111Y, H1156Y, H889Y.
Identifiers: ClinVar variation 3018243 (VCV003018243.3), dbSNP rs1320747370, ClinGen allele CA367584679.

ClinVar aggregate classification (germline): Uncertain significance (1 of 4 stars; one submission).

Conditions:
EGFR-related lung cancer (EGFR). Identifiers: MedGen CN130014.

Allele frequency attached by ClinVar (database versions not stated): gnomAD exomes below 0.00001.
gnomAD v4.1: 2 of 1,614,186 alleles (0.00012%); highest among the groups gnomAD compares: South Asian, 0.0011%; no homozygotes.

Submission:

Labcorp Genetics (formerly Invitae), Labcorp
Classification: Uncertain significance for EGFR-related lung cancer. Last evaluated: 2023-08-31. Review status: criteria provided, single submitter. Criteria: Invitae Variant Classification Sherloc (09022015). Collection method: clinical testing. Allele origin: germline.
Comment: This sequence change replaces histidine, which is basic and polar, with tyrosine, which is neutral and polar, at codon 1156 of the EGFR protein (p.His1156Tyr). This variant is present in population databases (no rsID available, gnomAD 0.003%). This variant has not been reported in the literature in individuals affected with EGFR-related conditions. Algorithms developed to predict the effect of missense changes on protein structure and function output the following: SIFT: "Not Available"; PolyPhen-2: "Benign"; Align-GVGD: "Not Available". The tyrosine amino acid residue is found in multiple mammalian species, which suggests that this missense change does not adversely affect protein function. In summary, the available evidence is currently insufficient to determine the role of this variant in disease. Therefore, it has been classified as a Variant of Uncertain Significance.